The following is an entry in ClinVar:

NM_001384732.1(CPLANE1):c.292A>G (p.Ile98Val)

Gene: CPLANE1 (ciliogenesis and planar polarity effector complex subunit 1; minus strand). Cytogenetic location: 5p13.2.
Variant type: single nucleotide variant.
Coding change: c.292A>G on transcript NM_001384732.1 (MANE Select); coding-DNA position 292, A replaced by G.
Protein change: p.Ile98Val; replaces isoleucine 98 with valine.
Molecular consequence: missense variant.
Genome position (GRCh38, 1-based): chr5:37,245,524, T>C on the plus strand (A>G on the coding strand, the complement: CPLANE1 is on the minus strand). VCF-style: chr5-37245524-T-C. GRCh37 (hg19) VCF-style: chr5-37245626-T-C.
Other names: c.292A>G, p.Ile98Val (NM_023073.4); short protein forms I98V.
Identifiers: ClinVar variation 2080965 (VCV002080965.4), dbSNP rs1739348640, ClinGen allele CA359523044.
Genomic context (GRCh38, chr5:37,245,524, plus strand): 5'-TAAAAAAATTCCCACCGACTGTAGCTTTGATCATTTCCTTAGGCTTTTCAGTTATTGGTA[T>C]AGTTTTCAAACAATCTTGATCTTTGTTCCAAAGGAAAAGCTCTCCTGTAGTTAGTACCCC-3'
Protein context (NP_001371661.1, residues 88-108): WNKDQDCLKT[Ile98Val]PITEKPKEMI

ClinVar aggregate classification (germline): Uncertain significance (1 of 4 stars; one submission).

Allele frequency attached by ClinVar (database versions not stated): gnomAD 0.00001.
gnomAD v4.1: 3 of 1,504,858 alleles (0.0002%); highest among the groups gnomAD compares: Non-Finnish European, 0.00027%; no homozygotes.

Submission:

Labcorp Genetics (formerly Invitae), Labcorp
Classification: Uncertain significance. Last evaluated: 2022-05-22. Review status: criteria provided, single submitter. Criteria: Invitae Variant Classification Sherloc (09022015). Collection method: clinical testing. Allele origin: germline.
Comment: In summary, the available evidence is currently insufficient to determine the role of this variant in disease. Therefore, it has been classified as a Variant of Uncertain Significance. Advanced modeling of protein sequence and biophysical properties (such as structural, functional, and spatial information, amino acid conservation, physicochemical variation, residue mobility, and thermodynamic stability) performed at Invitae indicates that this missense variant is not expected to disrupt CPLANE1 protein function. This variant has not been reported in the literature in individuals affected with CPLANE1-related conditions. This variant is not present in population databases (gnomAD no frequency). This sequence change replaces isoleucine, which is neutral and non-polar, with valine, which is neutral and non-polar, at codon 98 of the CPLANE1 protein (p.Ile98Val).